The following is an entry in ClinVar:

NM_001849.4(COL6A2):c.1705C>T (p.Arg569Trp)

Gene: COL6A2 (collagen type VI alpha 2 chain; plus strand). Cytogenetic location: 21q22.3.
Variant type: single nucleotide variant.
Coding change: c.1705C>T on transcript NM_001849.4 (MANE Select); coding-DNA position 1705, C replaced by T.
Protein change: p.Arg569Trp; replaces arginine 569 with tryptophan.
Molecular consequence: missense variant.
Genome position (GRCh38, 1-based): chr21:46,124,684, C>T. VCF-style: chr21-46124684-C-T. GRCh37 (hg19) VCF-style: chr21-47544598-C-T.
Other names: c.1705C>T, p.Arg569Trp (NM_058174.3, NM_058175.3); c.1705C>T (NM_001849.3); short protein forms R569W.
Identifiers: ClinVar variation 284687 (VCV000284687.14), dbSNP rs747089603, ClinGen allele CA10072123.
Genomic context (GRCh38, chr21:46,124,684, plus strand): 5'-AGCCCACCTGTTCTTGTTCCTTCTCAGGCGGATCCTGGTCCCCCTGGTGAGCCAGGCCCT[C>T]GGGGGCCAAGAGGAGTCCCAGGACCCGAGGTAGGTTGGTGGCCAGTCCCCATGCCCTCCC-3'
Protein context (NP_001840.3, residues 559-579): DPGPPGEPGP[Arg569Trp]GPRGVPGPEG

ClinVar aggregate classification (germline): Uncertain significance. Review status: criteria provided, multiple submitters, no conflicts (2 of 4 stars). 5 submissions from 5 submitters: Uncertain significance (5). Last evaluated 2026-01-19.

Conditions:
Inborn genetic diseases. Identifiers: MedGen C0950123, MeSH D030342.
Bethlem myopathy 1A. Also called: Bethlem myopathy 1; MYOPATHY, BENIGN CONGENITAL, WITH CONTRACTURES; Bethlem Muscular Dystrophy. Identifiers: Orphanet 610, MedGen CN029274, MONDO:0024530, OMIM 158810.

Allele frequency attached by ClinVar (database versions not stated): gnomAD exomes 0.00002; ExAC 0.00003; gnomAD 0.00005; TOPMed 0.00006.

Submissions (5):

Labcorp Genetics (formerly Invitae), Labcorp
Classification: Uncertain significance for Bethlem myopathy 1A. Last evaluated: 2026-01-19. Review status: criteria provided, single submitter. Criteria: Invitae Variant Classification Sherloc (09022015). Collection method: clinical testing. Allele origin: germline.
Comment: This sequence change replaces arginine, which is basic and polar, with tryptophan, which is neutral and slightly polar, at codon 569 of the COL6A2 protein (p.Arg569Trp). This variant is present in population databases (rs747089603, gnomAD 0.004%). This variant has not been reported in the literature in individuals affected with COL6A2-related conditions. ClinVar contains an entry for this variant (Variation ID: 284687). Invitae Evidence Modeling of protein sequence and biophysical properties (such as structural, functional, and spatial information, amino acid conservation, physicochemical variation, residue mobility, and thermodynamic stability) indicates that this missense variant is expected to disrupt COL6A2 protein function with a positive predictive value of 80%. In summary, the available evidence is currently insufficient to determine the role of this variant in disease. Therefore, it has been classified as a Variant of Uncertain Significance.

Revvity Omics, Revvity
Classification: Uncertain significance. Last evaluated: 2024-07-25. Review status: criteria provided, single submitter. Criteria: ACMG Guidelines, 2015. Collection method: clinical testing. Allele origin: germline.

Ambry Genetics
Classification: Uncertain significance for Inborn genetic diseases. Last evaluated: 2023-12-16. Review status: criteria provided, single submitter. Criteria: Ambry Variant Classification Scheme 2023. Collection method: clinical testing. Allele origin: germline.

GeneDx
Classification: Uncertain significance. Last evaluated: 2023-08-23. Review status: criteria provided, single submitter. Criteria: GeneDx Variant Classification Process June 2021. Collection method: clinical testing. Allele origin: germline. Affected: yes.
Comment: Not observed at significant frequency in large population cohorts (gnomAD); In silico analysis supports that this missense variant has a deleterious effect on protein structure/function; Has not been previously published as pathogenic or benign to our knowledge

Eurofins Ntd Llc (ga)
Classification: Uncertain significance. Last evaluated: 2016-12-28. Review status: criteria provided, single submitter. Criteria: EGL Classification Definitions 2015. Collection method: clinical testing. Allele origin: germline. Observed: 3 variant alleles, 3 heterozygotes.